The following is an entry in ClinVar:

ClinVar aggregate classification (germline): Uncertain significance (1 of 4 stars; one submission).

Submission:

Women's Health and Genetics/Laboratory Corporation of America, LabCorp
Classification: Uncertain significance. Last evaluated: 2017-09-15. Review status: criteria provided, single submitter. Criteria: LabCorp Variant Classification Summary - May 2015. Collection method: clinical testing. Allele origin: germline.
Comment: Variant summary: The RYR2 c.9129-2A>G variant involves the alteration of a conserved intronic nucleotide. MutationTaster predicts a damaging outcome for this variant. 5/5 splice prediction tools predict a significant impact on normal splicing. However, these predictions have yet to be confirmed by functional studies. This variant is absent in 168162 control chromosomes. The variant of interest has not, to our knowledge, been reported in affected individuals via publications and/or reputable databases/clinical diagnostic laboratories, nor evaluated for functional impact by in vivo/vitro studies. However, based on evaluation of other variants reported in disease databases such as HGMD and ClinVar, the vast majority of variants in patients are missense; splice site and truncating variants (i.e., loss of function) are not typically found in patients with catecholaminergic polymorphic ventricular tachycardia (CPVT) or cardiomyopathy. Because of the absence of clinical information, the lack of functional studies, and the unclear association of splice site variants with cardiac abnormalities in this gene, the variant is classified as a variant of uncertain significance (VUS) until additional information becomes available.

NM_001035.3(RYR2):c.9129-2A>G

Gene: RYR2 (ryanodine receptor 2; plus strand). Cytogenetic location: 1q43.
Variant type: single nucleotide variant.
Coding change: c.9129-2A>G on transcript NM_001035.3 (MANE Select); the canonical splice acceptor site of the intron before coding-DNA position 9129, A replaced by G.
Molecular consequence: splice acceptor variant.
Genome position (GRCh38, 1-based): chr1:237,700,227, A>G. VCF-style: chr1-237700227-A-G. GRCh37 (hg19) VCF-style: chr1-237863527-A-G.
Identifiers: ClinVar variation 633403 (VCV000633403.1), dbSNP rs1558245390, ClinGen allele CA345405363.